The following is an entry in ClinVar:

ClinVar aggregate classification (germline): Pathogenic. Review status: criteria provided, single submitter (1 of 4 stars). 2 submissions from 2 submitters: Pathogenic (1). 1 of the submissions does not count toward it. Last evaluated 2023-01-14.

Conditions:
Epidermolysis bullosa, junctional 3A, intermediate. Also called: EPIDERMOLYSIS BULLOSA, JUNCTIONAL 3A, GENERALIZED INTERMEDIATE; EPIDERMOLYSIS BULLOSA, JUNCTIONAL 3A, NON-HERLITZ TYPE. Identifiers: MedGen C5676938, MONDO:0030748, OMIM 619785.

Allele frequency attached by ClinVar (database versions not stated): gnomAD exomes below 0.00001; gnomAD 0.00001; TOPMed 0.00001.
gnomAD v4.1: 4 of 1,613,824 alleles (0.00025%); highest among the groups gnomAD compares: Non-Finnish European, 0.00025%; no homozygotes.

Submissions (2):

Labcorp Genetics (formerly Invitae), Labcorp
Classification: Pathogenic. Last evaluated: 2023-01-14. Review status: criteria provided, single submitter. Criteria: Invitae Variant Classification Sherloc (09022015). Collection method: clinical testing. Allele origin: germline.
Comment: For these reasons, this variant has been classified as Pathogenic. ClinVar contains an entry for this variant (Variation ID: 841746). This variant has not been reported in the literature in individuals affected with LAMC2-related conditions. The frequency data for this variant in the population databases is considered unreliable, as metrics indicate poor data quality at this position in the gnomAD database. This sequence change creates a premature translational stop signal (p.Arg571*) in the LAMC2 gene. It is expected to result in an absent or disrupted protein product. Loss-of-function variants in LAMC2 are known to be pathogenic (PMID: 11907499, 16473856).

Institute of Human Genetics, University of Ulm
Classification: Likely pathogenic for Epidermolysis bullosa, junctional 3A, intermediate. Last evaluated: 2022-06-15. Review status: no assertion criteria provided. Collection method: research. Allele origin: germline. Inheritance: Autosomal recessive inheritance. Affected: yes. Observed: 3 variant alleles, 3 homozygotes. Not counted in ClinVar's aggregate classification.

Literature cited by the submitters: PubMed 11907499 (cited by Labcorp Genetics (formerly Invitae), Labcorp); PubMed 16473856 (cited by Labcorp Genetics (formerly Invitae), Labcorp).

NM_005562.3(LAMC2):c.1711C>T (p.Arg571Ter)

Gene: LAMC2 (laminin subunit gamma 2; plus strand). Cytogenetic location: 1q25.3.
Variant type: single nucleotide variant.
Coding change: c.1711C>T on transcript NM_005562.3 (MANE Select); coding-DNA position 1711, C replaced by T.
Protein change: p.Arg571Ter; replaces arginine 571 with a stop codon.
Molecular consequence: nonsense.
Genome position (GRCh38, 1-based): chr1:183,228,616, C>T. VCF-style: chr1-183228616-C-T. GRCh37 (hg19) VCF-style: chr1-183197751-C-T.
Other names: c.1711C>T, p.Arg571Ter (NM_018891.3); short protein forms R571*.
Identifiers: ClinVar variation 841746 (VCV000841746.9), dbSNP rs761388039, ClinGen allele CA343689650.
Genomic context (GRCh38, chr1:183,228,616, plus strand): 5'-GACCAGTGCAAAGCAGGCTACTTCGGGGACCCATTGGCTCCCAACCCAGCAGACAAGTGT[C>T]GAGGTAGGACTCCACCCCAGGCAGGCTGTGTCTGTGCGTGCCTGTGTACGTATGCACTTG-3'